The following is an entry in ClinVar:

NM_000252.3(MTM1):c.533T>C (p.Leu178Ser)

Gene: MTM1 (myotubularin 1; plus strand). Cytogenetic location: Xq28.
Variant type: single nucleotide variant.
Coding change: c.533T>C on transcript NM_000252.3 (MANE Select); coding-DNA position 533, T replaced by C.
Protein change: p.Leu178Ser; replaces leucine 178 with serine.
Molecular consequence: missense variant.
Genome position (GRCh38, 1-based): chrX:150,641,273, T>C. VCF-style: chrX-150641273-T-C. GRCh37 (hg19) VCF-style: chrX-149809746-T-C.
Other names: c.533T>C, p.Leu178Ser (NM_001376906.1, NM_001376908.1); c.422T>C, p.Leu141Ser (NM_001376907.1); c.533T>C (LRG_839t1); short protein forms L141S, L178S.
Identifiers: ClinVar variation 1050813 (VCV001050813.5), dbSNP rs2148488364, ClinGen allele CA415255932.
Genomic context (GRCh38, chrX:150,641,273, plus strand): 5'-CAAATCCAGAGATGAGGTCAAGCAATACTGACTTGAATTTCTTTTTTTCCTCACAGGGCT[T>C]GCCCAATCACCATTGGAGAATAACTTTTATTAATAAGTGCTATGAGCTCTGTGACACTTA-3'
Protein context (NP_000243.1, residues 168-188): NPVEEYRRQG[Leu178Ser]PNHHWRITFI

ClinVar aggregate classification (germline): Conflicting classifications of pathogenicity. Review status: criteria provided, conflicting classifications (1 of 4 stars). 3 submissions from 3 submitters: Likely pathogenic (1); Uncertain significance (2). Last evaluated 2022-08-22.

Conditions:
Severe X-linked myotubular myopathy (CNMX). Also called: X-linked centronuclear myopathy; MYOTUBULAR MYOPATHY 1; Myotubular myopathy, X-linked. Identifiers: Orphanet 596, MedGen C0410203, MONDO:0010683, OMIM 310400.

Submissions (3):

Women's Health and Genetics/Laboratory Corporation of America, LabCorp
Classification: Uncertain significance. Last evaluated: 2022-08-22. Review status: criteria provided, single submitter. Criteria: LabCorp Variant Classification Summary - May 2015. Collection method: clinical testing. Allele origin: germline.
Comment: Variant summary: MTM1 c.533T>C (p.Leu178Ser) results in a non-conservative amino acid change located in the Myotubularin-like, phosphatase domain of the encoded protein sequence. Five of five in-silico tools predict a damaging effect of the variant on protein function. The variant was absent in 182364 control chromosomes. The available data on variant occurrences in the general population are insufficient to allow any conclusion about variant significance. c.533T>C has been reported in the literature in one individual affected with neonatal hypotonia. This report does not provide unequivocal conclusions about association of the variant with Severe X-Linked Myotubular Myopathy. To our knowledge, no experimental evidence demonstrating an impact on protein function has been reported. No clinical diagnostic laboratories have submitted clinical-significance assessments for this variant to ClinVar after 2014. Based on the evidence outlined above, the variant was classified as uncertain significance.

Revvity Omics, Revvity
Classification: Uncertain significance. Last evaluated: 2019-12-15. Review status: criteria provided, single submitter. Criteria: ACMG Guidelines, 2015. Collection method: clinical testing. Allele origin: germline.

Equipe Genetique des Anomalies du Developpement, Université de Bourgogne
Classification: Likely pathogenic for Severe X-linked myotubular myopathy. Review status: criteria provided, single submitter. Criteria: ACMG Guidelines, 2015. Collection method: clinical testing. Allele origin: maternal. Affected: yes.

Literature cited by the submitters: PubMed 34782754 (cited by Women's Health and Genetics/Laboratory Corporation of America, LabCorp and Equipe Genetique des Anomalies du Developpement, Université de Bourgogne).